The following is an entry in ClinVar:

ClinVar aggregate classification (germline): Uncertain significance. Review status: criteria provided, multiple submitters, no conflicts (2 of 4 stars). 2 submissions from 2 submitters: Uncertain significance (2). Last evaluated 2022-03-16.

Conditions:
Autosomal recessive hypophosphatemic bone disease (HHRH). Also called: HYPERCALCIURIC RICKETS; Hypophosphatemic rickets with hypercalciuria. Identifiers: Orphanet 157215, MedGen C1853271, MONDO:0009431, OMIM 241530.

Allele frequency attached by ClinVar (database versions not stated): TOPMed below 0.00001; gnomAD 0.00001; gnomAD exomes 0.00002; ExAC 0.00003.
gnomAD v4.1: 8 of 1,489,800 alleles (0.00054%); highest among the groups gnomAD compares: Admixed American, 0.009%; no homozygotes.

Submissions (2):

Fulgent Genetics
Classification: Uncertain significance for Autosomal recessive hypophosphatemic bone disease. Last evaluated: 2022-03-16. Review status: criteria provided, single submitter. Criteria: ACMG Guidelines, 2015. Collection method: clinical testing. Allele origin: unknown.

Labcorp Genetics (formerly Invitae), Labcorp
Classification: Uncertain significance. Last evaluated: 2021-08-24. Review status: criteria provided, single submitter. Criteria: Invitae Variant Classification Sherloc (09022015). Collection method: clinical testing. Allele origin: germline.
Comment: This sequence change replaces aspartic acid with asparagine at codon 183 of the SLC34A3 protein (p.Asp183Asn). The aspartic acid residue is moderately conserved and there is a small physicochemical difference between aspartic acid and asparagine. This variant is present in population databases (rs750369891, ExAC 0.03%). This variant has not been reported in the literature in individuals affected with SLC34A3-related conditions. Algorithms developed to predict the effect of missense changes on protein structure and function (SIFT, PolyPhen-2, Align-GVGD) all suggest that this variant is likely to be tolerated. In summary, the available evidence is currently insufficient to determine the role of this variant in disease. Therefore, it has been classified as a Variant of Uncertain Significance.

NM_001177316.2(SLC34A3):c.547G>A (p.Asp183Asn)

Gene: SLC34A3 (solute carrier family 34 member 3; plus strand). Cytogenetic location: 9q34.3.
Variant type: single nucleotide variant.
Coding change: c.547G>A on transcript NM_001177316.2 (MANE Select); coding-DNA position 547, G replaced by A.
Protein change: p.Asp183Asn; replaces aspartic acid 183 with asparagine.
Molecular consequence: missense variant.
Genome position (GRCh38, 1-based): chr9:137,233,102, G>A. VCF-style: chr9-137233102-G-A. GRCh37 (hg19) VCF-style: chr9-140127554-G-A.
Other names: c.547G>A, p.Asp183Asn (NM_001177317.2, NM_080877.3); short protein forms D183N.
Identifiers: ClinVar variation 1039710 (VCV001039710.7), dbSNP rs750369891, ClinGen allele CA5364455.